The following is an entry in ClinVar:

NM_172364.5(CACNA2D4):c.1471T>C (p.Tyr491His)

Gene: CACNA2D4 (calcium voltage-gated channel auxiliary subunit alpha2delta 4; minus strand). Cytogenetic location: 12p13.33.
Variant type: single nucleotide variant.
Coding change: c.1471T>C on transcript NM_172364.5 (MANE Select); coding-DNA position 1471, T replaced by C.
Protein change: p.Tyr491His; replaces tyrosine 491 with histidine.
Molecular consequence: missense variant.
Genome position (GRCh38, 1-based): chr12:1,882,881, A>G on the plus strand (T>C on the coding strand, the complement: CACNA2D4 is on the minus strand). VCF-style: chr12-1882881-A-G. GRCh37 (hg19) VCF-style: chr12-1992047-A-G.
Other names: short protein forms Y491H.
Identifiers: ClinVar variation 2743860 (VCV002743860.3), dbSNP rs2497229918, ClinGen allele CA383355978.
Genomic context (GRCh38, chr12:1,882,881, plus strand): 5'-AACTCTGAGGTGGGCTTCTCGAGCTGGGAGCTGCTGCCAGGCTCACCTTGCTGTCCATGT[A>G]GGCCTCTGTCCAGATGATGTCGTGGTCGTGGTTGATGACCATGGGGCGGCTGAGCACGTG-3'
Protein context (NP_758952.4, residues 481-501): HDHDIIWTEA[Tyr491His]MDSKLLSSQA

ClinVar aggregate classification (germline): Uncertain significance (1 of 4 stars; one submission).

Submission:

Labcorp Genetics (formerly Invitae), Labcorp
Classification: Uncertain significance. Last evaluated: 2023-07-16. Review status: criteria provided, single submitter. Criteria: Invitae Variant Classification Sherloc (09022015). Collection method: clinical testing. Allele origin: germline.
Comment: In summary, the available evidence is currently insufficient to determine the role of this variant in disease. Therefore, it has been classified as a Variant of Uncertain Significance. An algorithm developed to predict the effect of missense changes on protein structure and function (PolyPhen-2) suggests that this variant is likely to be disruptive. This variant has not been reported in the literature in individuals affected with CACNA2D4-related conditions. This variant is not present in population databases (gnomAD no frequency). This sequence change replaces tyrosine, which is neutral and polar, with histidine, which is basic and polar, at codon 491 of the CACNA2D4 protein (p.Tyr491His).